The following is an entry in ClinVar:

NM_004370.6(COL12A1):c.8752+5A>C

Gene: COL12A1 (collagen type XII alpha 1 chain; minus strand). Cytogenetic location: 6q13.
Variant type: single nucleotide variant.
Coding change: c.8752+5A>C on transcript NM_004370.6 (MANE Select); 5 bases into the intron after coding-DNA position 8752, A replaced by C.
Molecular consequence: intron variant.
Genome position (GRCh38, 1-based): chr6:75,091,318, T>G on the plus strand (A>C on the coding strand, the complement: COL12A1 is on the minus strand). VCF-style: chr6-75091318-T-G. GRCh37 (hg19) VCF-style: chr6-75801034-T-G.
Other names: c.5260+5A>C (NM_001424116.1, NM_080645.3); c.8479+5A>C (NM_001424115.1); c.8731+5A>C (NM_001424114.1); c.8752+5A>C (NM_001424113.1).
Identifiers: ClinVar variation 2939018 (VCV002939018.3), dbSNP rs1367040695, ClinGen allele CA828095390.
Genomic context (GRCh38, chr6:75,091,318, plus strand): 5'-AACTCTGCATTTTCCTGCAATTAATTTTAAAACAATTCATACAGTAAAAAGAAAAGAAAT[T>G]TTACCACTTATCAATTGTTCACAGACTTGTCTTGCAACTGCTCGCATCATGTTCTGGGAA-3'

ClinVar aggregate classification (germline): Uncertain significance (1 of 4 stars; one submission).

Conditions:
Ullrich congenital muscular dystrophy 2 (UCMD2). Identifiers: Orphanet 75840, MedGen C4225314, MONDO:0014654, OMIM 616470.
Bethlem myopathy 2 (BTHLM2). Identifiers: Orphanet 536516, Orphanet 610, MedGen C4225313, MONDO:0034022, OMIM 616471.

Allele frequency attached by ClinVar (database versions not stated): gnomAD exomes below 0.00001; gnomAD 0.00001; TOPMed 0.00001.
gnomAD v4.1: 3 of 1,610,926 alleles (0.00019%); highest among the groups gnomAD compares: Non-Finnish European, 0.00025%; no homozygotes.

Submission:

Labcorp Genetics (formerly Invitae), Labcorp
Classification: Uncertain significance for Bethlem myopathy 2; Ullrich congenital muscular dystrophy 2. Last evaluated: 2024-08-21. Review status: criteria provided, single submitter. Criteria: Invitae Variant Classification Sherloc (09022015). Collection method: clinical testing. Allele origin: germline.
Comment: This sequence change falls in intron 62 of the COL12A1 gene. It does not directly change the encoded amino acid sequence of the COL12A1 protein. It affects a nucleotide within the consensus splice site. This variant is not present in population databases (gnomAD no frequency). This variant has not been reported in the literature in individuals affected with COL12A1-related conditions. Variants that disrupt the consensus splice site are a relatively common cause of aberrant splicing (PMID: 17576681, 9536098). Algorithms developed to predict the effect of sequence changes on RNA splicing suggest that this variant is not likely to affect RNA splicing. In summary, the available evidence is currently insufficient to determine the role of this variant in disease. Therefore, it has been classified as a Variant of Uncertain Significance.

Literature cited by the submitters: PubMed 17576681; PubMed 9536098.